The following is an entry in ClinVar:

ClinVar aggregate classification (germline): Benign/Likely benign. Review status: criteria provided, multiple submitters, no conflicts (2 of 4 stars). 6 submissions from 6 submitters: Benign (1); Likely benign (5). Last evaluated 2025-07-17.

Conditions:
Juvenile polyposis syndrome (JPS). Identifiers: Orphanet 2929, MedGen C0345893, MONDO:0017380, OMIM 174900.
Hereditary cancer-predisposing syndrome. Also called: Hereditary neoplastic syndrome; Tumor predisposition; Neoplastic Syndromes, Hereditary; Hereditary Cancer Syndrome. Identifiers: Orphanet 140162, MedGen C0027672, MeSH D009386, MONDO:0015356.

Allele frequency attached by ClinVar (database versions not stated): gnomAD exomes below 0.00001 and 0.00001; gnomAD 0.00001; TOPMed 0.00001.
gnomAD v4.1: 5 of 1,613,868 alleles (0.00031%); highest among the groups gnomAD compares: African/African-American, 0.0013%; no homozygotes.

Submissions (6):

Labcorp Genetics (formerly Invitae), Labcorp
Classification: Likely benign for Juvenile polyposis syndrome. Last evaluated: 2025-07-17. Review status: criteria provided, single submitter. Criteria: Invitae Variant Classification Sherloc (09022015). Collection method: clinical testing. Allele origin: germline.

Myriad Genetics, Inc.
Classification: Benign for Juvenile polyposis syndrome. Last evaluated: 2024-08-05. Review status: criteria provided, single submitter. Criteria: Myriad Autosomal Dominant, Autosomal Recessive and X-Linked Classification Criteria (2023). Collection method: clinical testing. Allele origin: unknown.
Comment: This variant is considered benign. This variant is a silent/synonymous amino acid change and it is not expected to impact splicing.

All of Us Research Program, National Institutes of Health
Classification: Likely benign for Juvenile polyposis syndrome. Last evaluated: 2023-11-02. Review status: criteria provided, single submitter. Criteria: ACMG Guidelines, 2015. Collection method: clinical testing. Allele origin: germline. Inheritance: Autosomal dominant inheritance. Observed: 1 variant allele, 1 heterozygote.
Comment: This study involves interpretation of variants in research participants for the purpose of population health screening. Participant phenotype was not available at the time of variant classification. Additional details can be found in publication PMID: 35346344, PMCID: PMC8962531

Color Diagnostics, LLC DBA Color Health
Classification: Likely benign for Hereditary cancer-predisposing syndrome. Last evaluated: 2016-06-23. Review status: criteria provided, single submitter. Criteria: ACMG Guidelines, 2015. Collection method: clinical testing. Allele origin: germline.

GeneDx
Classification: Likely benign. Last evaluated: 2015-11-19. Review status: criteria provided, single submitter. Criteria: GeneDx Variant Classification (06012015). Collection method: clinical testing. Allele origin: germline. Affected: yes.
Comment: This variant is considered likely benign or benign based on one or more of the following criteria: it is a conservative change, it occurs at a poorly conserved position in the protein, it is predicted to be benign by multiple in silico algorithms, and/or has population frequency not consistent with disease.

Ambry Genetics
Classification: Likely benign for Hereditary cancer-predisposing syndrome. Last evaluated: 2015-11-16. Review status: criteria provided, single submitter. Criteria: Ambry Variant Classification Scheme 2023. Collection method: clinical testing. Allele origin: germline.

NM_004329.3(BMPR1A):c.897A>T (p.Thr299=)

Gene: BMPR1A (bone morphogenetic protein receptor type 1A; plus strand). Cytogenetic location: 10q23.2.
Variant type: single nucleotide variant.
Coding change: c.897A>T on transcript NM_004329.3 (MANE Select); coding-DNA position 897, A replaced by T.
Protein change: p.Thr299=; no amino-acid change (threonine 299 retained).
Molecular consequence: synonymous variant.
Genome position (GRCh38, 1-based): chr10:86,919,200, A>T. VCF-style: chr10-86919200-A-T. GRCh37 (hg19) VCF-style: chr10-88678957-A-T.
Identifiers: ClinVar variation 381852 (VCV000381852.20), dbSNP rs1057521188, ClinGen allele CA16606090.